The following is an entry in ClinVar:

NM_001394062.1(MACF1):c.914C>T (p.Thr305Met)

Gene: MACF1 (microtubule actin crosslinking factor 1; plus strand). Cytogenetic location: 1p34.3.
Variant type: single nucleotide variant.
Coding change: c.914C>T on transcript NM_001394062.1 (MANE Select); coding-DNA position 914, C replaced by T.
Protein change: p.Thr305Met; replaces threonine 305 with methionine.
Molecular consequence: missense variant.
Genome position (GRCh38, 1-based): chr1:39,283,514, C>T. VCF-style: chr1-39283514-C-T. GRCh37 (hg19) VCF-style: chr1-39749186-C-T.
Other names: c.929C>T, p.Thr310Met (NM_012090.5); short protein forms T305M, T310M.
Identifiers: ClinVar variation 4798252 (VCV004798252.3).

ClinVar aggregate classification (germline): Conflicting classifications of pathogenicity. Review status: criteria provided, conflicting classifications (1 of 4 stars). 3 submissions from 3 submitters: Uncertain significance (1); Benign (1); Likely benign (1). Last evaluated 2026-04-12.

Conditions:
MACF1-related disorder. Also called: MACF1-related condition.

gnomAD v4.1: 56 of 1,588,782 alleles (0.0035%); highest among the groups gnomAD compares: Admixed American, 0.033%; no homozygotes.

Submissions (3):

PreventionGenetics, part of Exact Sciences
Classification: Uncertain significance for MACF1-related condition. Last evaluated: 2026-04-12. Review status: criteria provided, single submitter. Criteria: ACMG Guidelines, 2015. Collection method: clinical testing. Allele origin: germline.
Comment: The MACF1 c.929C>T variant is predicted to result in the amino acid substitution p.Thr310Met. To our knowledge, this variant has not been reported in the literature. This variant is reported in 0.041% of alleles in individuals of Latino descent in gnomAD, which may be too frequent to be a primary cause of disease. Although we suspect that this variant may be benign, at this time, the clinical significance of this variant is uncertain due to the absence of conclusive functional and genetic evidence.

Labcorp Genetics (formerly Invitae), Labcorp
Classification: Benign. Last evaluated: 2025-03-31. Review status: criteria provided, single submitter. Criteria: Invitae Variant Classification Sherloc (09022015). Collection method: clinical testing. Allele origin: germline.

Blueprint Genetics
Classification: Likely benign. Last evaluated: 2024-09-23. Review status: criteria provided, single submitter. Criteria: ACMG Guidelines, 2015. Collection method: clinical testing. Allele origin: germline.